The following is an entry in ClinVar:

NM_001083926.2(ASRGL1):c.895C>T (p.Pro299Ser)

Gene: ASRGL1 (asparaginase and isoaspartyl peptidase 1; plus strand). Cytogenetic location: 11q12.3.
Variant type: single nucleotide variant.
Coding change: c.895C>T on transcript NM_001083926.2 (MANE Select); coding-DNA position 895, C replaced by T.
Protein change: p.Pro299Ser; replaces proline 299 with serine.
Molecular consequence: missense variant.
Genome position (GRCh38, 1-based): chr11:62,392,252, C>T. VCF-style: chr11-62392252-C-T. GRCh37 (hg19) VCF-style: chr11-62159724-C-T.
Other names: c.895C>T, p.Pro299Ser (NM_025080.4); short protein forms P299S.
Identifiers: ClinVar variation 2063685 (VCV002063685.4), dbSNP rs2495341452, ClinGen allele CA380871912.
Genomic context (GRCh38, chr11:62,392,252, plus strand): 5'-ACCTCCACCTCCATGCCCTGGGCAGCCGCCAAGGACGGCAAGCTGCACTTCGGAATTGAT[C>T]CTGACGATACTACTATCACCGACCTTCCCTAAGCCGCTGGAAGATTGTATTCCAGATGCT-3'
Protein context (NP_001077395.1, residues 289-308): KDGKLHFGID[Pro299Ser]DDTTITDLP

ClinVar aggregate classification (germline): Uncertain significance (1 of 4 stars; one submission).

Submission:

Labcorp Genetics (formerly Invitae), Labcorp
Classification: Uncertain significance. Last evaluated: 2024-02-23. Review status: criteria provided, single submitter. Criteria: Invitae Variant Classification Sherloc (09022015). Collection method: clinical testing. Allele origin: germline.
Comment: This sequence change replaces proline, which is neutral and non-polar, with serine, which is neutral and polar, at codon 299 of the ASRGL1 protein (p.Pro299Ser). This variant is not present in population databases (gnomAD no frequency). This variant has not been reported in the literature in individuals affected with ASRGL1-related conditions. ClinVar contains an entry for this variant (Variation ID: 2063685). An algorithm developed to predict the effect of missense changes on protein structure and function (PolyPhen-2) suggests that this variant is likely to be tolerated. In summary, the available evidence is currently insufficient to determine the role of this variant in disease. Therefore, it has been classified as a Variant of Uncertain Significance.